The following is an entry in ClinVar:

ClinVar aggregate classification (germline): Uncertain significance (1 of 4 stars; one submission).

Conditions:
Inborn genetic diseases. Identifiers: MedGen C0950123, MeSH D030342.

Allele frequency attached by ClinVar (database versions not stated): gnomAD 0.00001; gnomAD exomes 0.00001; TOPMed 0.00001; ExAC 0.00002.
gnomAD v4.1: 18 of 1,608,770 alleles (0.0011%); highest among the groups gnomAD compares: Admixed American, 0.0083%; no homozygotes.

Submission:

Ambry Genetics
Classification: Uncertain significance for Inborn genetic diseases. Last evaluated: 2021-02-11. Review status: criteria provided, single submitter. Criteria: Ambry Variant Classification Scheme 2023. Collection method: clinical testing. Allele origin: germline.
Comment: The c.578G>A (p.R193Q) alteration is located in exon 4 (coding exon 4) of the KDM3B gene. This alteration results from a G to A substitution at nucleotide position 578, causing the arginine (R) at amino acid position 193 to be replaced by a glutamine (Q). Based on data from the Genome Aggregation Database (gnomAD) database, the KDM3B c.578G>A alteration was observed in <0.01% (7/251188) of total alleles studied, with a frequency of 0.01% (4/30592) in the South Asian subpopulation. This amino acid position is highly conserved in available vertebrate species. The p.R193Q alteration is predicted to be tolerated by in silico analysis. Based on insufficient or conflicting evidence, the clinical significance of this alteration remains unclear.

NM_016604.4(KDM3B):c.578G>A (p.Arg193Gln)

Gene: KDM3B (lysine demethylase 3B; plus strand). Cytogenetic location: 5q31.2.
Variant type: single nucleotide variant.
Coding change: c.578G>A on transcript NM_016604.4 (MANE Select); coding-DNA position 578, G replaced by A.
Protein change: p.Arg193Gln; replaces arginine 193 with glutamine.
Molecular consequence: missense variant.
Genome position (GRCh38, 1-based): chr5:138,377,823, G>A. VCF-style: chr5-138377823-G-A. GRCh37 (hg19) VCF-style: chr5-137713512-G-A.
Other names: short protein forms R193Q.
Identifiers: ClinVar variation 2378344 (VCV002378344.2), dbSNP rs758484771, ClinGen allele CA3428727.
Genomic context (GRCh38, chr5:138,377,823, plus strand): 5'-CACTGAGAGAAACAGTTAATGCTTTGATCAGTGACCAAAAGCTACAAGAGATATTCAGCC[G>A]AGGTAAGAACGGATAGTCTTCTGTCCCTGAACTCTGATTCAGGTGAATGATCACTGTTGA-3'
Protein context (NP_057688.3, residues 183-203): SDQKLQEIFS[Arg193Gln]GPYSVQGHRV